The following is an entry in ClinVar:

ClinVar aggregate classification (germline): Uncertain significance (1 of 4 stars; one submission).

Submission:

Labcorp Genetics (formerly Invitae), Labcorp
Classification: Uncertain significance. Last evaluated: 2020-02-02. Review status: criteria provided, single submitter. Criteria: Invitae Variant Classification Sherloc (09022015). Collection method: clinical testing. Allele origin: germline.
Comment: This sequence change replaces isoleucine with threonine at codon 678 of the ZNF408 protein (p.Ile678Thr). The isoleucine residue is highly conserved and there is a moderate physicochemical difference between isoleucine and threonine. This variant is not present in population databases (ExAC no frequency). This variant has not been reported in the literature in individuals with ZNF408-related conditions. Algorithms developed to predict the effect of missense changes on protein structure and function (SIFT, PolyPhen-2, Align-GVGD) all suggest that this variant is likely to be tolerated, but these predictions have not been confirmed by published functional studies and their clinical significance is uncertain. In summary, the available evidence is currently insufficient to determine the role of this variant in disease. Therefore, it has been classified as a Variant of Uncertain Significance.

NM_024741.3(ZNF408):c.2033T>C (p.Ile678Thr)

Gene: ZNF408 (zinc finger protein 408; plus strand). Cytogenetic location: 11p11.2.
Variant type: single nucleotide variant.
Coding change: c.2033T>C on transcript NM_024741.3 (MANE Select); coding-DNA position 2033, T replaced by C.
Protein change: p.Ile678Thr; replaces isoleucine 678 with threonine.
Molecular consequence: missense variant.
Genome position (GRCh38, 1-based): chr11:46,705,733, T>C. VCF-style: chr11-46705733-T-C. GRCh37 (hg19) VCF-style: chr11-46727283-T-C.
Other names: c.2009T>C, p.Ile670Thr (NM_001184751.2); short protein forms I670T, I678T.
Identifiers: ClinVar variation 1020853 (VCV001020853.9), dbSNP rs2064747785, ClinGen allele CA380258040.
Genomic context (GRCh38, chr11:46,705,733, plus strand): 5'-TGCTGGACACACACAGAGAGGAGGAAGTCTCCCCCGCCAGGGATGTTGTTGAGGTCACCA[T>C]TTCAGAAAGCCAGGAGAAGTGCTTTGTGGTGCCAGAGGAGCCAGATGCCGCCCCCAGCCT-3'
Protein context (NP_079017.1, residues 668-688): SPARDVVEVT[Ile678Thr]SESQEKCFVV